The following is an entry in ClinVar:

ClinVar aggregate classification (germline): Uncertain significance (1 of 4 stars; one submission).

Conditions:
SCAPER-related disorder. Also called: SCAPER-related condition.

gnomAD v4.1: 1 of 1,613,248 alleles (0.000062%); no homozygotes.

Submission:

PreventionGenetics, part of Exact Sciences
Classification: Uncertain significance for SCAPER-related condition. Last evaluated: 2025-07-17. Review status: criteria provided, single submitter. Criteria: ACMG Guidelines, 2015. Collection method: clinical testing. Allele origin: germline.
Comment: The SCAPER c.1175A>T variant is predicted to result in the amino acid substitution p.Gln392Leu. To our knowledge, this variant has not been reported in the literature or in a large population database (gnomAD), indicating this variant is rare. At this time, the clinical significance of this variant is uncertain due to the absence of conclusive functional and genetic evidence.

NM_020843.4(SCAPER):c.1175A>T (p.Gln392Leu)

Gene: SCAPER (S-phase cyclin A associated protein in the ER; minus strand). Cytogenetic location: 15q24.3.
Variant type: single nucleotide variant.
Coding change: c.1175A>T on transcript NM_020843.4 (MANE Select); coding-DNA position 1175, A replaced by T.
Protein change: p.Gln392Leu; replaces glutamine 392 with leucine.
Molecular consequence: missense variant. On other transcripts: non-coding transcript variant (1).
Genome position (GRCh38, 1-based): chr15:76,771,815, T>A on the plus strand (A>T on the coding strand, the complement: SCAPER is on the minus strand). VCF-style: chr15-76771815-T-A. GRCh37 (hg19) VCF-style: chr15-77064156-T-A.
Other names: c.437A>T, p.Gln146Leu (NM_001145923.2); c.1175A>T, p.Gln392Leu (NM_001353009.2); c.773A>T, p.Gln258Leu (NM_001353010.2, NM_001353011.2, NM_001353012.2); short protein forms Q258L, Q146L, Q392L.
Identifiers: ClinVar variation 4999197 (VCV004999197.1).